The following is an entry in ClinVar:

ClinVar aggregate classification (germline): Pathogenic (1 of 4 stars; one submission).

Conditions:
Carnitine palmitoyltransferase II deficiency. Also called: Carnitine Palmitoyltransferase 2 Deficiency. Identifiers: Orphanet 157, MedGen C0342790, MONDO:0015515.

Submission:

Labcorp Genetics (formerly Invitae), Labcorp
Classification: Pathogenic for Carnitine palmitoyltransferase II deficiency. Last evaluated: 2020-11-12. Review status: criteria provided, single submitter. Criteria: Invitae Variant Classification Sherloc (09022015). Collection method: clinical testing. Allele origin: germline.
Comment: For these reasons, this variant has been classified as Pathogenic. This variant has not been reported in the literature in individuals with CPT2-related conditions. This variant is not present in population databases (ExAC no frequency). This sequence change creates a premature translational stop signal (p.Phe330Serfs*90) in the CPT2 gene. It is expected to result in an absent or disrupted protein product. Loss-of-function variants in CPT2 are known to be pathogenic (PMID: 16781677, 16996287).

Literature cited by the submitters: PubMed 16781677; PubMed 16996287.

NM_000098.3(CPT2):c.989del (p.Phe330fs)

Gene: CPT2 (carnitine palmitoyltransferase 2; plus strand). Cytogenetic location: 1p32.3.
Variant type: Deletion.
Coding change: c.989del on transcript NM_000098.3 (MANE Select); coding-DNA position 989, one base deleted (T; older notation c.989delT).
Protein change: p.Phe330fs; shifts the reading frame from phenylalanine 330.
Molecular consequence: frameshift variant.
Genome position (GRCh38, 1-based): chr1:53,210,663, T deleted; the last of 2 consecutive T bases (chr1:53,210,662-53,210,663); deleting either gives the same sequence. VCF-style (leftmost placement, unchanged base first): chr1-53210661-CT-C. GRCh37 (hg19) VCF-style: chr1-53676333-CT-C.
Other names: c.989del, p.Phe330fs (NM_001330589.2); short protein forms F330fs.
Identifiers: ClinVar variation 1368422 (VCV001368422.6), dbSNP rs1553169716, ClinGen allele CA2573131908.